The following is an entry in ClinVar:

NM_001194998.2(CEP152):c.2646del (p.Glu883fs)

Gene: CEP152 (centrosomal protein 152; minus strand). Cytogenetic location: 15q21.1.
Variant type: Deletion.
Coding change: c.2646del on transcript NM_001194998.2 (MANE Select); coding-DNA position 2646, one base deleted (A; older notation c.2646delA).
Protein change: p.Glu883fs; shifts the reading frame from glutamic acid 883.
Molecular consequence: frameshift variant.
Genome position (GRCh38, 1-based): chr15:48,760,183, T deleted on the plus strand (A on the coding strand, the reverse complement: CEP152 is on the minus strand). VCF-style (leftmost placement, unchanged base first): chr15-48760182-CT-C. GRCh37 (hg19) VCF-style: chr15-49052379-CT-C.
Other names: c.2646del, p.Glu883fs (NM_014985.4); short protein forms E883fs.
Identifiers: ClinVar variation 2698435 (VCV002698435.3), dbSNP rs2504641181, ClinGen allele CA2697549066.

ClinVar aggregate classification (germline): Pathogenic (1 of 4 stars; one submission).

Submission:

Labcorp Genetics (formerly Invitae), Labcorp
Classification: Pathogenic. Last evaluated: 2023-11-24. Review status: criteria provided, single submitter. Criteria: Invitae Variant Classification Sherloc (09022015). Collection method: clinical testing. Allele origin: germline.
Comment: This sequence change creates a premature translational stop signal (p.Glu883Asnfs*13) in the CEP152 gene. It is expected to result in an absent or disrupted protein product. Loss-of-function variants in CEP152 are known to be pathogenic (PMID: 21131973). This variant is not present in population databases (gnomAD no frequency). This variant has not been reported in the literature in individuals affected with CEP152-related conditions. For these reasons, this variant has been classified as Pathogenic.

Literature cited by the submitters: PubMed 21131973.